The following is an entry in ClinVar:

NM_000254.3(MTR):c.1634C>A (p.Thr545Asn)

Gene: MTR (5-methyltetrahydrofolate-homocysteine methyltransferase; plus strand). Cytogenetic location: 1q43.
Variant type: single nucleotide variant.
Coding change: c.1634C>A on transcript NM_000254.3 (MANE Select); coding-DNA position 1634, C replaced by A.
Protein change: p.Thr545Asn; replaces threonine 545 with asparagine.
Molecular consequence: missense variant.
Genome position (GRCh38, 1-based): chr1:236,850,462, C>A. VCF-style: chr1-236850462-C-A. GRCh37 (hg19) VCF-style: chr1-237013762-C-A.
Other names: c.1634C>A, p.Thr545Asn (NM_001291939.1, NM_001410942.1); c.413C>A, p.Thr138Asn (NM_001291940.2); short protein forms T545N, T138N.
Identifiers: ClinVar variation 5003019 (VCV005003019.1).

ClinVar aggregate classification (germline): Uncertain significance (1 of 4 stars; one submission).

Conditions:
Methylcobalamin deficiency type cblG (HMAG). Also called: Functional methionine synthase deficiency type cblG; HOMOCYSTINURIA-MEGALOBLASTIC ANEMIA DUE TO DEFECT IN COBALAMIN METABOLISM, cblG COMPLEMENTATION TYPE; HOMOCYSTINURIA-MEGALOBLASTIC ANEMIA, cblG TYPE; HOMOCYSTINURIA-MEGALOBLASTIC ANEMIA, cblG COMPLEMENTATION TYPE. Identifiers: Orphanet 2170, Orphanet 622, MedGen C1855128, MONDO:0009609, OMIM 250940.

Submission:

OLLIN Analises Genomicas, OLLIN
Classification: Uncertain significance for Methylcobalamin deficiency type cblG. Last evaluated: 2026-08-06. Review status: criteria provided, single submitter. Criteria: ACMG Guidelines 2015 PMID 25741868. Collection method: clinical testing. Allele origin: germline. Inheritance: Autosomal recessive inheritance.
Comment: This missense variant, located in exon 16 (of 33), is absent from gnomAD and ClinVar and has not been identified in the literature. In silico analysis predicts that this variant has a deleterious effect. According to the currently available evidence, this variant has been classified as uncertain significance (PM2_P, PP3_M).